The following is an entry in ClinVar:

ClinVar aggregate classification (germline): Uncertain significance (1 of 4 stars; one submission).

Allele frequency attached by ClinVar (database versions not stated): TOPMed below 0.00001.

Submission:

GeneDx
Classification: Uncertain significance. Last evaluated: 2022-03-22. Review status: criteria provided, single submitter. Criteria: GeneDx Variant Classification Process June 2021. Collection method: clinical testing. Allele origin: germline. Affected: yes.
Comment: Not observed at significant frequency in large population cohorts (gnomAD); In silico analysis supports that this missense variant has a deleterious effect on protein structure/function; Has not been previously published as pathogenic or benign to our knowledge

NM_001244008.2(KIF1A):c.3746G>A (p.Gly1249Asp)

Gene: KIF1A (kinesin family member 1A; minus strand). Cytogenetic location: 2q37.3.
Variant type: single nucleotide variant.
Coding change: c.3746G>A on transcript NM_001244008.2 (MANE Select); coding-DNA position 3746, G replaced by A.
Protein change: p.Gly1249Asp; replaces glycine 1249 with aspartic acid.
Molecular consequence: missense variant.
Genome position (GRCh38, 1-based): chr2:240,741,272, C>T on the plus strand (G>A on the coding strand, the complement: KIF1A is on the minus strand). VCF-style: chr2-240741272-C-T. GRCh37 (hg19) VCF-style: chr2-241680689-C-T.
Other names: c.3470G>A, p.Gly1157Asp (NM_001320705.2, NM_001330289.2, NM_001379638.1); c.3545G>A, p.Gly1182Asp (NM_001330290.2, NM_001379634.1, NM_001379635.1 and 1 more transcripts); c.3821G>A, p.Gly1274Asp (NM_001379631.1); c.3695G>A, p.Gly1232Asp (NM_001379632.1); c.3719G>A, p.Gly1240Asp (NM_001379633.1, NM_001379642.1, NM_001379645.1); c.3443G>A, p.Gly1148Asp (NM_001379636.1, NM_001379639.1, NM_001379641.1 and 6 more transcripts); c.3518G>A, p.Gly1173Asp (NM_001379637.1, NM_001379648.1); c.3440G>A, p.Gly1147Asp (NM_001379640.1); short protein forms G1147D, G1148D, G1157D, G1173D, G1182D, G1232D, G1240D, G1249D.
Identifiers: ClinVar variation 1707181 (VCV001707181.2), dbSNP rs2047933161, ClinGen allele CA351315171.
Genomic context (GRCh38, chr2:240,741,272, plus strand): 5'-CTCCGCGCACCCCCCGACACACACTCACGCCCTGGGGGCCCCAGCACCAGCACTCACTCG[C>T]CGTTGGCCTCCAGCTCACAGATCTCGAAGTAGACCAGCAGGTCGTACTTGCAGTGGCAGG-3'
Protein context (NP_001230937.1, residues 1239-1259): YFEICELEAN[Gly1249Asp]DYIPAVVDHR